The following is an entry in ClinVar:

ClinVar aggregate classification (germline): Uncertain significance (1 of 4 stars; one submission).

Submission:

Labcorp Genetics (formerly Invitae), Labcorp
Classification: Uncertain significance. Last evaluated: 2025-08-25. Review status: criteria provided, single submitter. Criteria: Invitae Variant Classification Sherloc (09022015). Collection method: clinical testing. Allele origin: germline.
Comment: This sequence change replaces glycine, which is neutral and non-polar, with arginine, which is basic and polar, at codon 1159 of the GRIN2D protein (p.Gly1159Arg). This variant is not present in population databases (gnomAD no frequency). This variant has not been reported in the literature in individuals affected with GRIN2D-related conditions. Invitae Evidence Modeling of protein sequence and biophysical properties (such as structural, functional, and spatial information, amino acid conservation, physicochemical variation, residue mobility, and thermodynamic stability) indicates that this missense variant is not expected to disrupt GRIN2D protein function with a negative predictive value of 95%. In summary, the available evidence is currently insufficient to determine the role of this variant in disease. Therefore, it has been classified as a Variant of Uncertain Significance.

NM_000836.4(GRIN2D):c.3475G>C (p.Gly1159Arg)

Gene: GRIN2D (glutamate ionotropic receptor NMDA type subunit 2D; plus strand). Cytogenetic location: 19q13.33.
Variant type: single nucleotide variant.
Coding change: c.3475G>C on transcript NM_000836.4 (MANE Select); coding-DNA position 3475, G replaced by C.
Protein change: p.Gly1159Arg; replaces glycine 1159 with arginine.
Molecular consequence: missense variant.
Genome position (GRCh38, 1-based): chr19:48,443,401, G>C. VCF-style: chr19-48443401-G-C. GRCh37 (hg19) VCF-style: chr19-48946658-G-C.
Other names: short protein forms G1159R.
Identifiers: ClinVar variation 4802162 (VCV004802162.1).